The following is an entry in ClinVar:

ClinVar aggregate classification (germline): Conflicting classifications of pathogenicity. Review status: criteria provided, conflicting classifications (1 of 4 stars). 4 submissions from 4 submitters: Uncertain significance (3); Likely benign (1). Last evaluated 2025-02-10.

Conditions:
Hereditary cancer-predisposing syndrome. Also called: Hereditary neoplastic syndrome; Neoplastic Syndromes, Hereditary; Tumor predisposition; Hereditary Cancer Syndrome. Identifiers: Orphanet 140162, MedGen C0027672, MeSH D009386, MONDO:0015356.
Hereditary breast ovarian cancer syndrome. Also called: Hereditary breast and ovarian cancer syndrome (HBOC); Breast and ovarian cancer; Hereditary breast and/or ovarian cancer syndrome; BRCA1- and BRCA2-Associated Hereditary Breast and Ovarian Cancer; Hereditary breast and ovarian cancer syndrome; Hereditary breast and ovarian cancer. Identifiers: Orphanet 145, MedGen C0677776, MeSH D061325, MONDO:0003582. Disease mechanism: loss of function.

gnomAD v4.1: 3 of 1,613,802 alleles (0.00019%); highest among the groups gnomAD compares: Non-Finnish European, 0.00025%; no homozygotes.

Submissions (4):

Labcorp Genetics (formerly Invitae), Labcorp
Classification: Uncertain significance for Hereditary breast ovarian cancer syndrome. Last evaluated: 2025-02-10. Review status: criteria provided, single submitter. Criteria: Invitae Variant Classification Sherloc (09022015). Collection method: clinical testing. Allele origin: germline.
Comment: This sequence change replaces proline, which is neutral and non-polar, with glutamine, which is neutral and polar, at codon 1502 of the BRCA1 protein (p.Pro1502Gln). This variant is not present in population databases (gnomAD no frequency). This variant has not been reported in the literature in individuals affected with BRCA1-related conditions. ClinVar contains an entry for this variant (Variation ID: 185183). Invitae Evidence Modeling of protein sequence and biophysical properties (such as structural, functional, and spatial information, amino acid conservation, physicochemical variation, residue mobility, and thermodynamic stability) indicates that this missense variant is not expected to disrupt BRCA1 protein function with a negative predictive value of 95%. In summary, the available evidence is currently insufficient to determine the role of this variant in disease. Therefore, it has been classified as a Variant of Uncertain Significance.

Quest Diagnostics Nichols Institute San Juan Capistrano
Classification: Uncertain significance. Last evaluated: 2025-01-21. Review status: criteria provided, single submitter. Criteria: Quest Diagnostics criteria. Collection method: clinical testing. Allele origin: unknown.
Comment: The BRCA1 c.4505C>A (p.Pro1502Gln) variant has been reported in the published literature in an individual affected with breast cancer in a large scale breast cancer association study (PMID: 33471991 (2021), see also LOVD). This variant has not been reported in large, multi-ethnic general populations (Genome Aggregation Database). Analysis of this variant using bioinformatics tools for the prediction of the effect of amino acid changes on protein structure and function yielded predictions that this variant is benign. Based on the available information, we are unable to determine the clinical significance of this variant.

Color Diagnostics, LLC DBA Color Health
Classification: Uncertain significance for Hereditary cancer-predisposing syndrome. Last evaluated: 2019-04-08. Review status: criteria provided, single submitter. Criteria: ACMG Guidelines, 2015. Collection method: clinical testing. Allele origin: germline.

Ambry Genetics
Classification: Likely benign for Hereditary cancer-predisposing syndrome. Last evaluated: 2018-11-14. Review status: criteria provided, single submitter. Criteria: Ambry Variant Classification Scheme 2023. Collection method: clinical testing. Allele origin: germline.

Literature cited by the submitters: PubMed 33471991 (cited by Quest Diagnostics Nichols Institute San Juan Capistrano).

NM_007294.4(BRCA1):c.4505C>A (p.Pro1502Gln)

Gene: BRCA1 (BRCA1 DNA repair associated; minus strand). Cytogenetic location: 17q21.31.
Variant type: single nucleotide variant.
Coding change: c.4505C>A on transcript NM_007294.4 (MANE Select); coding-DNA position 4505, C replaced by A.
Protein change: p.Pro1502Gln; replaces proline 1502 with glutamine.
Molecular consequence: missense variant. On other transcripts: non-coding transcript variant (1).
Genome position (GRCh38, 1-based): chr17:43,074,501, G>T on the plus strand (C>A on the coding strand, the complement: BRCA1 is on the minus strand). VCF-style: chr17-43074501-G-T. GRCh37 (hg19) VCF-style: chr17-41226518-G-T.
Other names: c.4292C>A, p.Pro1431Gln (NM_001407571.1, NM_001407894.1, NM_001407895.1 and 12 more transcripts); c.4571C>A, p.Pro1524Gln (NM_001407581.1, NM_001407582.1); c.4568C>A, p.Pro1523Gln (NM_001407583.1, NM_001407585.1, NM_001407587.1 and 1 more transcripts); c.4565C>A, p.Pro1522Gln (NM_001407590.1, NM_001407591.1); c.4505C>A, p.Pro1502Gln (NM_001407593.1, NM_001407594.1, NM_001407596.1 and 8 more transcripts); c.4502C>A, p.Pro1501Gln (NM_001407610.1, NM_001407611.1, NM_001407612.1 and 17 more transcripts); c.1076C>A, p.Pro359Gln (NM_001408421.1, NM_001408422.1, NM_001408423.1 and 1 more transcripts); c.1073C>A, p.Pro358Gln (NM_001408425.1, NM_001408426.1, NM_001408427.1 and 4 more transcripts); and 68 more; short protein forms P1502Q, P1523Q, P398Q, P1455Q, P1375Q, P1458Q, P1461Q, P1499Q.
Identifiers: ClinVar variation 185183 (VCV000185183.21), dbSNP rs56335406, ClinGen allele CA002888.